The following is an entry in ClinVar:

ClinVar aggregate classification (germline): Uncertain significance (1 of 4 stars; one submission).

Conditions:
Inborn genetic diseases. Identifiers: MedGen C0950123, MeSH D030342.

Submission:

Ambry Genetics
Classification: Uncertain significance for Inborn genetic diseases. Last evaluated: 2023-04-07. Review status: criteria provided, single submitter. Criteria: Ambry Variant Classification Scheme 2023. Collection method: clinical testing. Allele origin: germline.
Comment: The p.Q34R variant (also known as c.101A>G), located in coding exon 2 of the BUB1B gene, results from an A to G substitution at nucleotide position 101. The glutamine at codon 34 is replaced by arginine, an amino acid with highly similar properties. This amino acid position is conserved. In addition, this alteration is predicted to be tolerated by in silico analysis. Since supporting evidence is limited at this time, the clinical significance of this alteration remains unclear.

NM_001211.6(BUB1B):c.101A>G (p.Gln34Arg)

Gene: BUB1B (BUB1 mitotic checkpoint serine/threonine kinase B; plus strand). Cytogenetic location: 15q15.1.
Variant type: single nucleotide variant.
Coding change: c.101A>G on transcript NM_001211.6 (MANE Select); coding-DNA position 101, A replaced by G.
Protein change: p.Gln34Arg; replaces glutamine 34 with arginine.
Molecular consequence: missense variant.
Genome position (GRCh38, 1-based): chr15:40,165,118, A>G. VCF-style: chr15-40165118-A-G. GRCh37 (hg19) VCF-style: chr15-40457319-A-G.
Other names: short protein forms Q34R.
Identifiers: ClinVar variation 2565445 (VCV002565445.2), dbSNP rs2542508660, ClinGen allele CA391677086.